The following is an entry in ClinVar:

ClinVar aggregate classification (germline): Uncertain significance (1 of 4 stars; one submission).

Conditions:
Progressive microcephaly-seizures-cortical blindness-developmental delay syndrome. Also called: Seizures, cortical blindness, and microcephaly syndrome. Identifiers: Orphanet 477814, MedGen C5567650, MONDO:0014714, OMIM 616632.
Autosomal dominant nonsyndromic hearing loss 1. Also called: KONIGSMARK SYNDROME; DEAFNESS, AUTOSOMAL DOMINANT 1, WITH OR WITHOUT THROMBOCYTOPENIA. Identifiers: Orphanet 90635, MedGen C1852282, MONDO:0007424, OMIM 124900.

Submission:

Labcorp Genetics (formerly Invitae), Labcorp
Classification: Uncertain significance for Progressive microcephaly-seizures-cortical blindness-developmental delay syndrome; Autosomal dominant nonsyndromic hearing loss 1. Last evaluated: 2023-02-05. Review status: criteria provided, single submitter. Criteria: Invitae Variant Classification Sherloc (09022015). Collection method: clinical testing. Allele origin: germline.
Comment: This sequence change replaces proline, which is neutral and non-polar, with threonine, which is neutral and polar, at codon 870 of the DIAPH1 protein (p.Pro870Thr). This variant is not present in population databases (gnomAD no frequency). This variant has not been reported in the literature in individuals affected with DIAPH1-related conditions. Algorithms developed to predict the effect of missense changes on protein structure and function are either unavailable or do not agree on the potential impact of this missense change (SIFT: "Deleterious"; PolyPhen-2: "Possibly Damaging"; Align-GVGD: "Class C0"). In summary, the available evidence is currently insufficient to determine the role of this variant in disease. Therefore, it has been classified as a Variant of Uncertain Significance.

NM_005219.5(DIAPH1):c.2608C>A (p.Pro870Thr)

Gene: DIAPH1 (diaphanous related formin 1; minus strand). Cytogenetic location: 5q31.3.
Variant type: single nucleotide variant.
Coding change: c.2608C>A on transcript NM_005219.5 (MANE Select); coding-DNA position 2608, C replaced by A.
Protein change: p.Pro870Thr; replaces proline 870 with threonine.
Molecular consequence: missense variant.
Genome position (GRCh38, 1-based): chr5:141,529,671, G>T on the plus strand (C>A on the coding strand, the complement: DIAPH1 is on the minus strand). VCF-style: chr5-141529671-G-T. GRCh37 (hg19) VCF-style: chr5-140909238-G-T.
Other names: c.2581C>A, p.Pro861Thr (NM_001079812.3); c.2608C>A, p.Pro870Thr (NM_001314007.2); short protein forms P870T, P861T.
Identifiers: ClinVar variation 2935133 (VCV002935133.3), dbSNP rs2513627870, ClinGen allele CA361586567.